The following is an entry in ClinVar:

ClinVar aggregate classification (germline): Likely benign (1 of 4 stars; one submission).

gnomAD v4.1: 4 of 1,613,106 alleles (0.00025%); highest among the groups gnomAD compares: Non-Finnish European, 0.00034%; no homozygotes.

Submission:

CeGaT Center for Human Genetics Tuebingen
Classification: Likely benign. Last evaluated: 2024-08-01. Review status: criteria provided, single submitter. Criteria: CeGaT Center For Human Genetics Tuebingen Variant Classification Criteria Version 2. Collection method: clinical testing. Allele origin: germline. Affected: yes. Observed: 1 variant allele.
Comment: DOCK7: BP4, BP7

NM_001367561.1(DOCK7):c.3168A>T (p.Ile1056=)

Gene: DOCK7 (dedicator of cytokinesis 7; minus strand). Cytogenetic location: 1p31.3.
Variant type: single nucleotide variant.
Coding change: c.3168A>T on transcript NM_001367561.1 (MANE Select); coding-DNA position 3168, A replaced by T.
Protein change: p.Ile1056=; no amino-acid change (isoleucine 1056 retained).
Molecular consequence: synonymous variant.
Genome position (GRCh38, 1-based): chr1:62,539,770, T>A on the plus strand (A>T on the coding strand, the complement: DOCK7 is on the minus strand). VCF-style: chr1-62539770-T-A. GRCh37 (hg19) VCF-style: chr1-63005441-T-A.
Other names: c.3075A>T, p.Ile1025= (NM_001272000.2, NM_001272001.2, NM_033407.4); c.3168A>T, p.Ile1056= (NM_001330614.2, NM_001271999.2).
Identifiers: ClinVar variation 3342219 (VCV003342219.16).